The following is an entry in ClinVar:

ClinVar aggregate classification (germline): Likely benign. Review status: reviewed by expert panel (3 of 4 stars). 15 submissions from 13 submitters: Likely benign (1). 14 of the submissions do not count toward it. Last evaluated 2025-09-30.

Conditions:
DYSF-related disorder. Also called: DYSF-related condition; DYSF-related disorders.
Autosomal recessive limb-girdle muscular dystrophy. Identifiers: Orphanet 102015, MedGen C2931907, MONDO:0015152.
Neuromuscular disease caused by qualitative or quantitative defects of dysferlin. Also called: Dysferlinopathy; Qualitative or quantitative defects of dysferlin. Identifiers: Orphanet 207073, MedGen C2931687, MONDO:0016145.
Miyoshi muscular dystrophy 1 (MMD1). Identifiers: Orphanet 45448, MedGen C4551973, MONDO:0024545, OMIM 254130.
Distal myopathy with anterior tibial onset. Identifiers: Orphanet 178400, MedGen C1847532, MONDO:0011721, OMIM 606768.
Autosomal recessive limb-girdle muscular dystrophy type 2B (LGMDR2). Also called: Limb-girdle muscular dystrophy, type 2B; MUSCULAR DYSTROPHY, LIMB-GIRDLE, TYPE 3; MUSCULAR DYSTROPHY, LIMB-GIRDLE, AUTOSOMAL RECESSIVE 2; Limb-Girdle Muscular Dystrophy Type 2B (LGMD2B). Identifiers: Orphanet 268, MedGen C1850889, MONDO:0009676, OMIM 253601.

Allele frequency attached by ClinVar (database versions not stated): 1000 Genomes Project 0.00020; 1000 Genomes Project 30x 0.00031; TOPMed 0.00040; gnomAD 0.00050 and 0.00055; ESP Exome Variant Server 0.00069; gnomAD exomes 0.00071 and 0.00082; ExAC 0.00088.
gnomAD v4.1: 1,106 of 1,581,850 alleles (0.07%); highest among the groups gnomAD compares: South Asian, 0.19%; 4 homozygotes.

Submissions (15):

ClinGen Limb Girdle Muscular Dystrophy Variant Curation Expert Panel, ClinGen
Classification: Likely benign for Autosomal recessive limb-girdle muscular dystrophy. Last evaluated: 2025-09-30. Review status: reviewed by expert panel. Criteria: ClinGen LGMD VCEP ACMG Specifications DYSF V2.0.0. Collection method: curation. Allele origin: germline. Inheritance: Autosomal recessive inheritance.
Comment: The NM_003494.4: c.1966A>G variant in DYSF, which is also known as NM_001130987.2: c.2020A>G p.(Lys674Glu), is a missense variant predicted to cause substitution of lysine to glutamic acid at amino acid 656, p.(Lys656Glu). The Grpmax filtering allele frequency of this variant is 0.001638 (the lower threshold of the 95% CI of 169/90468 chromosomes) in the South Asian population of gnomAD v4.1.0, which is greater than the ClinGen LGMD VCEP threshold >0.001 for BS1, meeting this criterion (BS1). There are also four homozygotes in gnomAD v4.1.0. This variant has been reported in at least two individuals with suspected LGMD with no second DYSF variant identified (PMID: 36983702, 30564623). It has also been reported in one patient with Miyoshi myopathy who was also heterozygous for a pathogenic DYSF variant (NM_003494.4: c.2200-2205delinsT p.(Thr734SerfsTer18); PMID: 26088049) but without convincing evidence for pathogenicity (PM3_Supporting not met since BS1 is met). The computational predictor REVEL gives a score of 0.795, which exceeds the VCEP threshold of ≥0.70, evidence that correlates with impact to DYSF function (PP3). In summary, this variant meets the criteria to be classified as Likely Benign for autosomal recessive limb girdle muscular dystrophy. Although there are both pathogenic and benign types of evidence for this variant, the pathogenic evidence is not considered inconsistent with the final classification. ACMG/AMP criteria applied, as specified by the ClinGen LGMD VCEP (LGMD VCEP specifications version 2.0.0; 09/30/2025): BS1, PP3.

Labcorp Genetics (formerly Invitae), Labcorp
Classification: Likely benign for Neuromuscular disease caused by qualitative or quantitative defects of dysferlin. Last evaluated: 2026-01-31. Review status: criteria provided, single submitter. Criteria: Invitae Variant Classification Sherloc (09022015). Collection method: clinical testing. Allele origin: germline. Not counted in ClinVar's aggregate classification.

PreventionGenetics, part of Exact Sciences
Classification: Likely benign for DYSF-related condition. Last evaluated: 2025-08-27. Review status: criteria provided, single submitter. Criteria: ACMG Guidelines, 2015. Collection method: clinical testing. Allele origin: germline. Not counted in ClinVar's aggregate classification.
Comment: This variant is classified as likely benign based on ACMG/AMP sequence variant interpretation guidelines (Richards et al. 2015 PMID: 25741868, with internal and published modifications).

Myriad Genetics, Inc.
Classification: Uncertain significance for Autosomal recessive limb-girdle muscular dystrophy. Last evaluated: 2025-08-06. Review status: criteria provided, single submitter. Criteria: Myriad Autosomal Dominant, Autosomal Recessive and X-Linked Classification Criteria (2023). Collection method: clinical testing. Allele origin: unknown. Not counted in ClinVar's aggregate classification.
Comment: NM_003494.3(DYSF):c.1966A>G(K656E) is a missense variant classified as a variant of uncertain significance in the context of dysferlinopathy. K656E has been observed in cases with relevant disease (PMID: 39678382, 22046204). Relevant functional assessments of this variant are not available in the literature. K656E has been observed in referenced population frequency databases. In summary, there is insufficient evidence to classify NM_003494.3(DYSF):c.1966A>G(K656E) as pathogenic or benign. Please note: this variant was assessed in the context of healthy population screening.

Mayo Clinic Laboratories, Mayo Clinic
Classification: Uncertain significance. Last evaluated: 2025-08-02. Review status: criteria provided, single submitter. Criteria: ACMG Guidelines, 2015. Collection method: clinical testing. Allele origin: germline. Observed: 1 variant allele. Not counted in ClinVar's aggregate classification.
Comment: BS1, PP3_moderate

Blueprint Genetics
Classification: Uncertain significance. Last evaluated: 2024-11-25. Review status: criteria provided, single submitter. Criteria: ACMG Guidelines, 2015. Collection method: clinical testing. Allele origin: germline. Not counted in ClinVar's aggregate classification.

Revvity Omics, Revvity
Classification: Uncertain significance. Last evaluated: 2022-09-19. Review status: criteria provided, single submitter. Criteria: ACMG Guidelines, 2015. Collection method: clinical testing. Allele origin: germline. Not counted in ClinVar's aggregate classification.

CeGaT Center for Human Genetics Tuebingen
Classification: Uncertain significance. Last evaluated: 2021-12-01. Review status: criteria provided, single submitter. Criteria: CeGaT Center For Human Genetics Tuebingen Variant Classification Criteria Version 2. Collection method: clinical testing. Allele origin: germline. Affected: yes. Observed: 4 variant alleles. Not counted in ClinVar's aggregate classification.

Athena Diagnostics
Classification: Uncertain significance. Last evaluated: 2021-08-03. Review status: criteria provided, single submitter. Criteria: Athena Diagnostics Criteria. Collection method: clinical testing. Allele origin: unknown. Not counted in ClinVar's aggregate classification.

Genome-Nilou Lab
Classification: Uncertain significance for Miyoshi muscular dystrophy 1. Last evaluated: 2021-07-14. Review status: criteria provided, single submitter. Criteria: ACMG Guidelines, 2015. Collection method: clinical testing. Allele origin: germline. Affected: no. Not counted in ClinVar's aggregate classification.

Genome-Nilou Lab
Classification: Uncertain significance for Autosomal recessive limb-girdle muscular dystrophy type 2B. Last evaluated: 2021-07-14. Review status: criteria provided, single submitter. Criteria: ACMG Guidelines, 2015. Collection method: clinical testing. Allele origin: germline. Affected: no. Not counted in ClinVar's aggregate classification.

Genome-Nilou Lab
Classification: Uncertain significance for Distal myopathy with anterior tibial onset. Last evaluated: 2021-07-14. Review status: criteria provided, single submitter. Criteria: ACMG Guidelines, 2015. Collection method: clinical testing. Allele origin: germline. Affected: no. Not counted in ClinVar's aggregate classification.

GeneDx
Classification: Likely benign. Last evaluated: 2018-12-06. Review status: criteria provided, single submitter. Criteria: GeneDx Variant Classification Process June 2021. Collection method: clinical testing. Allele origin: germline. Affected: yes. Not counted in ClinVar's aggregate classification.
Comment: In silico analysis, which includes protein predictors and evolutionary conservation, supports a deleterious effect; Reported in published literature (Pavoni et al., 2011) as 1966 A>G; K656Q,due to the use of alternate nomenclature, in individual with Miyoshi myopathy who also harbored the c.2200_2205delinsT; the phase of these variants is unknown; This variant is associated with the following publications: (PMID: 22046204, 21522182)

Illumina Laboratory Services, Illumina
Classification: Uncertain significance for Qualitative or quantitative defects of dysferlin. Last evaluated: 2018-01-13. Review status: criteria provided, single submitter. Criteria: ICSL Variant Classification Criteria 13 December 2019. Collection method: clinical testing. Allele origin: germline. Not counted in ClinVar's aggregate classification.

Eurofins Ntd Llc (ga)
Classification: Uncertain significance. Last evaluated: 2015-12-04. Review status: criteria provided, single submitter. Criteria: EGL Classification Definitions 2015. Collection method: clinical testing. Allele origin: germline. Observed: 1 variant allele, 1 heterozygote. Not counted in ClinVar's aggregate classification.

Literature cited by the submitters: PubMed 22046204 (cited by Myriad Genetics, Inc. and Mayo Clinic Laboratories, Mayo Clinic); PubMed 39678382 (cited by Myriad Genetics, Inc.); PubMed 21522182 (cited by Mayo Clinic Laboratories, Mayo Clinic); PubMed 36983702 (cited by Mayo Clinic Laboratories, Mayo Clinic); PubMed 27365461 (cited by Athena Diagnostics).

NM_001130987.2(DYSF):c.2020A>G (p.Lys674Glu)

Gene: DYSF (dysferlin; plus strand). Cytogenetic location: 2p13.2.
Variant type: single nucleotide variant.
Coding change: c.2020A>G on transcript NM_001130987.2 (MANE Select); coding-DNA position 2020, A replaced by G.
Protein change: p.Lys674Glu; replaces lysine 674 with glutamic acid.
Molecular consequence: missense variant.
Genome position (GRCh38, 1-based): chr2:71,553,842, A>G. VCF-style: chr2-71553842-A-G. GRCh37 (hg19) VCF-style: chr2-71780972-A-G.
Other names: NM_001130987.2(DYSF):c.2020A>G; p.Lys674Glu; c.1969A>G, p.Lys657Glu (NM_001130455.2, NM_001130983.2); c.1924A>G, p.Lys642Glu (NM_001130976.2, NM_001130977.2); c.1966A>G, p.Lys656Glu (NM_001130978.2, NM_003494.4); c.2059A>G, p.Lys687Glu (NM_001130979.2); c.2017A>G, p.Lys673Glu (NM_001130980.2, NM_001130981.2); c.2062A>G, p.Lys688Glu (NM_001130982.2); and 2 more; short protein forms K656E, K674E, K673E, K642E, K687E, K643E, K657E, K688E.
Identifiers: ClinVar variation 195598 (VCV000195598.69), dbSNP rs139754493, ClinGen allele CA242074.